The following is an entry in ClinVar:

ClinVar aggregate classification (germline): Likely pathogenic (1 of 4 stars; one submission).

Conditions:
Hereditary cancer-predisposing syndrome. Also called: Hereditary neoplastic syndrome; Hereditary Cancer Syndrome; Neoplastic Syndromes, Hereditary; Tumor predisposition. Identifiers: Orphanet 140162, MedGen C0027672, MeSH D009386, MONDO:0015356.

Submission:

Ambry Genetics
Classification: Likely pathogenic for Hereditary cancer-predisposing syndrome. Last evaluated: 2023-04-12. Review status: criteria provided, single submitter. Criteria: Ambry Variant Classification Scheme 2023. Collection method: clinical testing. Allele origin: germline.
Comment: The c.3350_3350+1delGGinsC variant results from a deletion of two nucleotides (GG) and insertion of one nucleotide (C) at positions c.3350 to c.3350+1 and involves the canonical splice donor site after coding exon 12 of the PALB2 gene. The canonical splice donor site is highly conserved in available vertebrate species. In silico splice site analysis predicts that this alteration will abolish the native donor splice site and result in exon 12 skipping. The resulting transcript would not be expected to trigger nonsense-mediated mRNA decay. Although the exact impact of this alteration on PALB2 splicing and function is currently unknown, the impacted region is critical for protein function (Ambry internal data). This variant is considered to be rare based on population cohorts in the Genome Aggregation Database (gnomAD). Based on the majority of available evidence to date, this variant is likely to be pathogenic.

NM_024675.4(PALB2):c.3350_3350+1delinsC

Gene: PALB2 (partner and localizer of BRCA2; minus strand). Cytogenetic location: 16p12.2.
Variant type: Indel.
Coding change: c.3350_3350+1delinsC on transcript NM_024675.4 (MANE Select); coding-DNA position 3350 through the canonical splice donor site of the intron after coding-DNA position 3350, GG replaced by C.
Molecular consequence: splice donor variant. On other transcripts: intron variant (8).
Genome position (GRCh38, 1-based): chr16:23,607,863-23,607,864, CC replaced by G on the plus strand (GG replaced by C on the coding strand, the reverse complement: PALB2 is on the minus strand). VCF-style: chr16-23607863-CC-G. GRCh37 (hg19) VCF-style: chr16-23619184-CC-G.
Other names: c.2229-4195_2229-4194delinsC (NM_001407308.1, NM_001407309.1); c.2465_2465+1delinsC (NM_001407306.1, NM_001407305.1, NM_001407304.1); c.884_884+1delinsC (NM_001407314.1); c.1414-4195_1414-4194delinsC (NM_001407313.1); c.1562_1562+1delinsC (NM_001407312.1); c.3290_3290+1delinsC (NM_001407296.1); c.3278_3278+1delinsC (NM_001407297.1); c.3040-4195_3040-4194delinsC (NM_001407302.1); and 6 more.
Identifiers: ClinVar variation 2567556 (VCV002567556.2), dbSNP rs2142271053, ClinGen allele CA2580613445.